The following is an entry in ClinVar:

ClinVar aggregate classification (germline): Pathogenic. Review status: criteria provided, multiple submitters, no conflicts (2 of 4 stars). 2 submissions from 2 submitters: Pathogenic (2). Last evaluated 2024-03-25.

Conditions:
Beckwith-Wiedemann syndrome (BWS). Also called: Exomphalos macroglossia gigantism syndrome; EMG SYNDROME. Identifiers: Orphanet 116, MedGen C0004903, MONDO:0007534, OMIM 130650.

Allele frequency attached by ClinVar (database versions not stated): gnomAD exomes below 0.00001.

Submissions (2):

Genomic Medicine Center of Excellence, King Faisal Specialist Hospital and Research Centre
Classification: Pathogenic for Beckwith-Wiedemann syndrome. Last evaluated: 2024-03-25. Review status: criteria provided, single submitter. Criteria: ACMG Guidelines, 2015. Collection method: research. Allele origin: germline.

Labcorp Genetics (formerly Invitae), Labcorp
Classification: Pathogenic for Beckwith-Wiedemann syndrome. Last evaluated: 2022-07-17. Review status: criteria provided, single submitter. Criteria: Invitae Variant Classification Sherloc (09022015). Collection method: clinical testing. Allele origin: germline.
Comment: For these reasons, this variant has been classified as Pathogenic. This premature translational stop signal has been observed in individual(s) with Beckwith-Wiedemann syndrome (PMID: 11414765). This variant is not present in population databases (gnomAD no frequency). This sequence change creates a premature translational stop signal (p.Gln241*) in the CDKN1C gene. It is expected to result in an absent or disrupted protein product. Loss-of-function variants in CDKN1C are known to be pathogenic (PMID: 20503313).

Literature cited by the submitters: PubMed 11414765 (cited by Labcorp Genetics (formerly Invitae), Labcorp); PubMed 20503313 (cited by Labcorp Genetics (formerly Invitae), Labcorp).

NM_001122630.2(CDKN1C):c.688C>T (p.Gln230Ter)

Gene: CDKN1C (cyclin dependent kinase inhibitor 1C; minus strand). Cytogenetic location: 11p15.4.
Variant type: single nucleotide variant.
Coding change: c.688C>T on transcript NM_001122630.2 (MANE Select); coding-DNA position 688, C replaced by T.
Protein change: p.Gln230Ter; replaces glutamine 230 with a stop codon.
Molecular consequence: nonsense. On other transcripts: intron variant (1).
Genome position (GRCh38, 1-based): chr11:2,884,769, G>A on the plus strand (C>T on the coding strand, the complement: CDKN1C is on the minus strand). VCF-style: chr11-2884769-G-A. GRCh37 (hg19) VCF-style: chr11-2905999-G-A.
Other names: c.721C>T, p.Gln241Ter (NM_000076.2, NM_001362474.2, LRG_533t1); c.688C>T, p.Gln230Ter (NM_001122631.2); c.255+433C>T (NM_001362475.2); short protein forms Q241*, Q230*.
Identifiers: ClinVar variation 132864 (VCV000132864.5), dbSNP rs483352991, ClinGen allele CA216367184.
Genomic context (GRCh38, chr11:2,884,769, plus strand): 5'-CGTTGGCGCTGGCGGCCGCGGTGCCGGCCGCGGGACGTCCCGAAATCCCCGAGTGCAGCT[G>A]GTCAGCGAGAGGCTCCTGGCCGCGCTGCCCCTGGTTCGCGCCCTGCTCGGCGCTCTCTTG-3'